The following is an entry in ClinVar:

NM_004370.6(COL12A1):c.6067C>T (p.Leu2023=)

Gene: COL12A1 (collagen type XII alpha 1 chain; minus strand). Cytogenetic location: 6q13.
Variant type: single nucleotide variant.
Coding change: c.6067C>T on transcript NM_004370.6 (MANE Select); coding-DNA position 6067, C replaced by T.
Protein change: p.Leu2023=; no amino-acid change (leucine 2023 retained).
Molecular consequence: synonymous variant.
Genome position (GRCh38, 1-based): chr6:75,130,852, G>A on the plus strand (C>T on the coding strand, the complement: COL12A1 is on the minus strand). VCF-style: chr6-75130852-G-A. GRCh37 (hg19) VCF-style: chr6-75840568-G-A.
Other names: c.2575C>T, p.Leu859= (NM_080645.3).
Identifiers: ClinVar variation 1052104 (VCV001052104.10), dbSNP rs751540913, ClinGen allele CA3892916.

ClinVar aggregate classification (germline): Uncertain significance. Review status: criteria provided, multiple submitters, no conflicts (2 of 4 stars). 2 submissions from 2 submitters: Uncertain significance (2). Last evaluated 2025-07-18.

Conditions:
Ullrich congenital muscular dystrophy 2 (UCMD2). Identifiers: Orphanet 75840, MedGen C4225314, MONDO:0014654, OMIM 616470.
Bethlem myopathy 2 (BTHLM2). Identifiers: Orphanet 536516, Orphanet 610, MedGen C4225313, MONDO:0034022, OMIM 616471.

Allele frequency attached by ClinVar (database versions not stated): ExAC 0.00001; gnomAD exomes 0.00001; TOPMed 0.00003; gnomAD 0.00004.
gnomAD v4.1: 21 of 1,613,798 alleles (0.0013%); highest among the groups gnomAD compares: African/African-American, 0.0027%; no homozygotes.

Submissions (2):

Women's Health and Genetics/Laboratory Corporation of America, LabCorp
Classification: Uncertain significance. Last evaluated: 2025-07-18. Review status: criteria provided, single submitter. Criteria: LabCorp Variant Classification Summary - May 2015. Collection method: clinical testing. Allele origin: germline.
Comment: Variant summary: COL12A1 c.6067C>T (p.Leu2023Leu) alters a non-conserved nucleotide located close to a canonical splice site and therefore could affect mRNA splicing, leading to a significantly altered protein sequence. The variant allele was found at a frequency of 8e-06 in 248840 control chromosomes. The available data on variant occurrences in the general population are insufficient to allow any conclusion about variant significance. To our knowledge, no occurrence of c.6067C>T in individuals affected with Ullrich congenital muscular dystrophy 2 and no experimental evidence demonstrating its impact on protein function have been reported. ClinVar contains an entry for this variant (Variation ID: 1052104). Based on the evidence outlined above, the variant was classified as uncertain significance.

Labcorp Genetics (formerly Invitae), Labcorp
Classification: Uncertain significance for Bethlem myopathy 2; Ullrich congenital muscular dystrophy 2. Last evaluated: 2025-07-11. Review status: criteria provided, single submitter. Criteria: Invitae Variant Classification Sherloc (09022015). Collection method: clinical testing. Allele origin: germline.
Comment: This sequence change affects codon 2023 of the COL12A1 mRNA. It is a 'silent' change, meaning that it does not change the encoded amino acid sequence of the COL12A1 protein. It affects a nucleotide within the consensus splice site. This variant is present in population databases (rs751540913, gnomAD 0.002%). This variant has not been reported in the literature in individuals affected with COL12A1-related conditions. ClinVar contains an entry for this variant (Variation ID: 1052104). Algorithms developed to predict the effect of sequence changes on RNA splicing suggest that this variant is not likely to affect RNA splicing. In summary, the available evidence is currently insufficient to determine the role of this variant in disease. Therefore, it has been classified as a Variant of Uncertain Significance.